The following is an entry in ClinVar:

NM_000478.6(ALPL):c.332C>T (p.Ala111Val)

Gene: ALPL (alkaline phosphatase, biomineralization associated; plus strand). Cytogenetic location: 1p36.12.
Variant type: single nucleotide variant.
Coding change: c.332C>T on transcript NM_000478.6 (MANE Select); coding-DNA position 332, C replaced by T.
Protein change: p.Ala111Val; replaces alanine 111 with valine.
Molecular consequence: missense variant.
Genome position (GRCh38, 1-based): chr1:21,563,144, C>T. VCF-style: chr1-21563144-C-T. GRCh37 (hg19) VCF-style: chr1-21889637-C-T.
Other names: c.332C>T, p.Ala111Val (NM_001369805.2, NM_001369803.2, NM_001369804.2); c.101C>T, p.Ala34Val (NM_001177520.3); c.167C>T, p.Ala56Val (NM_001127501.4); short protein forms A111V, A34V, A56V.
Identifiers: ClinVar variation 3600321 (VCV003600321.5).
Genomic context (GRCh38, chr1:21,563,144, plus strand): 5'-TCCTGACCCTCCTCTCCCACCTGCAGACGTACAACACCAATGCCCAGGTCCCTGACAGTG[C>T]CGGCACCGCCACCGCCTACCTGTGTGGGGTGAAGGCCAATGAGGGCACCGTGGGGGTAAG-3'
Protein context (NP_000469.3, residues 101-121): YNTNAQVPDS[Ala111Val]GTATAYLCGV

ClinVar aggregate classification (germline): Likely pathogenic. Review status: criteria provided, multiple submitters, no conflicts (2 of 4 stars). 2 submissions from 2 submitters: Likely pathogenic (2). Last evaluated 2024-12-12.

Conditions:
Hypophosphatasia. Also called: Phosphoethanol-aminuria. Identifiers: Orphanet 436, MedGen C0020630, MeSH D007014, MONDO:0018570.

Submissions (2):

Labcorp Genetics (formerly Invitae), Labcorp
Classification: Likely pathogenic. Last evaluated: 2024-12-12. Review status: criteria provided, single submitter. Criteria: Invitae Variant Classification Sherloc (09022015). Collection method: clinical testing. Allele origin: germline.
Comment: This sequence change replaces alanine, which is neutral and non-polar, with valine, which is neutral and non-polar, at codon 111 of the ALPL protein (p.Ala111Val). This variant is not present in population databases (gnomAD no frequency). This missense change has been observed in individual(s) with clinical features of autosomal dominant hypophosphatasia (internal data). Invitae Evidence Modeling of protein sequence and biophysical properties (such as structural, functional, and spatial information, amino acid conservation, physicochemical variation, residue mobility, and thermodynamic stability) indicates that this missense variant is expected to disrupt ALPL protein function with a positive predictive value of 95%. This variant disrupts the p.Ala111 amino acid residue in ALPL. Other variant(s) that disrupt this residue have been determined to be pathogenic (PMID: 9452105, 19500388, 24022022; internal data). This suggests that this residue is clinically significant, and that variants that disrupt this residue are likely to be disease-causing. In summary, the currently available evidence indicates that the variant is pathogenic, but additional data are needed to prove that conclusively. Therefore, this variant has been classified as Likely Pathogenic.

JKU Lab, Dept of Paediatrics, Johannes Kepler University
Classification: Likely pathogenic for Hypophosphatasia. Last evaluated: 2024-12-10. Review status: criteria provided, single submitter. Criteria: ACMG Guidelines, 2015. Collection method: curation. Allele origin: germline. Affected: yes.
Comment: This missense variant is not present in GnomAD 4.1 and affects a highly conserved amino acid in the active site domain. The variant is predicted to affect protein function (REVEL score: 0.967). Splice-prediction algorithms predict no effect on splicing. In vitro functional studies showed reduced ALP activity, with a dominant negative effect. This variant has not been reported in the literature in individuals affected with ALPL-related conditions. The results of the functional testing and the applied ACMG criteria can be viewed at an online resource

Literature cited by the submitters: PubMed 9452105 (cited by Labcorp Genetics (formerly Invitae), Labcorp); PubMed 19500388 (cited by Labcorp Genetics (formerly Invitae), Labcorp); PubMed 24022022 (cited by Labcorp Genetics (formerly Invitae), Labcorp).